The following is an entry in ClinVar:

NM_152424.4(AMER1):c.1489C>T (p.Arg497Ter)

Gene: AMER1 (APC membrane recruitment protein 1; minus strand). Cytogenetic location: Xq11.2.
Variant type: single nucleotide variant.
Coding change: c.1489C>T on transcript NM_152424.4 (MANE Select); coding-DNA position 1489, C replaced by T.
Protein change: p.Arg497Ter; replaces arginine 497 with a stop codon.
Molecular consequence: nonsense.
Genome position (GRCh38, 1-based): chrX:64,191,798, G>A on the plus strand (C>T on the coding strand, the complement: AMER1 is on the minus strand). VCF-style: chrX-64191798-G-A. GRCh37 (hg19) VCF-style: chrX-63411678-G-A.
Other names: NM_152424.4(AMER1):c.1489C>T; p.Arg497Ter; short protein forms R497*.
Identifiers: ClinVar variation 862773 (VCV000862773.14), dbSNP rs1930251154, ClinGen allele CA413307632.
Genomic context (GRCh38, chrX:64,191,798, plus strand): 5'-TCTCAAGGCTGTCATCTGGCTCATAGAACTCATATAGGGCATCTCCACTGTAGCTGTCTC[G>A]GGGTAGACAATCCCTGCGGACAAGCCCCAGGGCCTCACCTGAATCATCCTCAAATCCAGG-3'

ClinVar aggregate classification (germline): Pathogenic/Likely pathogenic. Review status: criteria provided, multiple submitters, no conflicts (2 of 4 stars). 5 submissions from 5 submitters: Pathogenic (2); Likely pathogenic (3). Last evaluated 2026-10-11.

Conditions:
Osteopathia striata with cranial sclerosis (OSCS). Also called: HYPEROSTOSIS GENERALISATA WITH STRIATIONS. Identifiers: Orphanet 2780, MedGen C0432268, MONDO:0010310, OMIM 300373.

Allele frequency attached by ClinVar (database versions not stated): gnomAD exomes below 0.00001.
gnomAD v4.1: 1 of 1,211,651 alleles (0.000083%); highest among the groups gnomAD compares: Non-Finnish European, 0.00011%; no homozygotes.

Submissions (5):

GeneDx
Classification: Likely pathogenic. Last evaluated: 2026-10-11. Review status: criteria provided, single submitter. Criteria: GeneDx Variant Classification Process June 2021. Collection method: clinical testing. Allele origin: germline.
Comment: Reported as a pathogenic variant in a large cohort study of patients with suspected rare Mendelian disorders; however, specific patient clinical details were not provided (PMID: 39843441); Nonsense variant predicted to result in protein truncation, as the last 639 amino acids are lost, and other loss-of-function variants have been reported downstream in HGMD; Not observed at significant frequency in large population cohorts (gnomAD); This variant is associated with the following publications: (PMID: 22043478, 19079258, 26071483, 39843441)

Broad Center for Mendelian Genomics, Broad Institute of MIT and Harvard
Classification: Likely pathogenic for Osteopathia striata with cranial sclerosis. Last evaluated: 2023-05-02. Review status: criteria provided, single submitter. Criteria: ACMG Guidelines, 2015. Collection method: curation. Allele origin: germline. Inheritance: X-linked inheritance.
Comment: The p.Arg497Ter variant in AMER1 has been previously reported in 2 unrelated individuals with X-linked osteopathia striata with cranial sclerosis (ClinVar SCV002012055.1, SCV003853261.1). The number of reported affected individuals with this variant is slightly greater than expected compared to non-affected individuals with this variant. This variant has also been reported in ClinVar (Variation ID: 862773) and has been interpreted as pathogenic by 3billion and LifeCell International Pvt. Ltd and as likely pathogenic by Invitae and GeneDx. This variant was absent from large population studies. This nonsense variant leads to a premature termination codon at position 497. This alteration occurs within the last exon and is more likely to escape nonsense mediated decay (NMD) and result in a truncated protein. Loss of function of the AMER1 gene is an established disease mechanism in X-linked osteopathia striata with cranial sclerosis. In summary, additional studies are required to fully establish its clinical significance, this variant is likely pathogenic for X-linked osteopathia striata with cranial sclerosis. ACMG/AMP Criteria applied: PVS1_Strong, PS4_Supporting, PM2_Supporting (Richards 2015).

Labcorp Genetics (formerly Invitae), Labcorp
Classification: Likely pathogenic. Last evaluated: 2022-02-05. Review status: criteria provided, single submitter. Criteria: Invitae Variant Classification Sherloc (09022015). Collection method: clinical testing. Allele origin: germline.
Comment: In summary, the currently available evidence indicates that the variant is pathogenic, but additional data are needed to prove that conclusively. Therefore, this variant has been classified as Likely Pathogenic. This variant disrupts the C-terminus of the AMER1 protein. Other variant(s) that disrupt this region (p.Leu546Phefs*34, p.Arg531*, p.Asp503Metfs*38) have been observed in individuals with AMER1-related conditions (PMID: 19079258, 22043478). This suggests that this may be a clinically significant region of the protein. Experimental studies and prediction algorithms are not available or were not evaluated, and the functional significance of this variant is currently unknown. ClinVar contains an entry for this variant (Variation ID: 862773). This variant has not been reported in the literature in individuals affected with AMER1-related conditions. This variant is not present in population databases (gnomAD no frequency). This sequence change creates a premature translational stop signal (p.Arg497*) in the AMER1 gene. While this is not anticipated to result in nonsense mediated decay, it is expected to disrupt the last 639 amino acid(s) of the AMER1 protein.

3billion
Classification: Pathogenic for Osteopathia striata with cranial sclerosis. Last evaluated: 2021-10-02. Review status: criteria provided, single submitter. Criteria: ACMG Guidelines, 2015. Collection method: clinical testing. Allele origin: maternal. Affected: yes. Observed: 1 hemizygote.
Comment: Stop-gained (nonsense): predicted to result in a loss or disruption of normal protein function through nonsense-mediated decay (NMD) or protein truncation. Multiple pathogenic variants are reported downstream of the variant (PVS1_VS). It is not observed in the gnomAD v2.1.1 dataset (PM2). The variant has been reported as pathogenic (ClinVar ID: VCV000862773.2). Therefore, this variant is classified as pathogenic according to the recommendation of ACMG/AMP guideline.

Lifecell International Pvt. Ltd
Classification: Pathogenic for Osteopathia striata with cranial sclerosis. Review status: criteria provided, single submitter. Criteria: ACMG Guidelines, 2015. Collection method: clinical testing. Allele origin: germline. Inheritance: X-linked inheritance. Affected: yes.
Comment: "A Nonsense variant c.1489C>T in Exon 2 of the AMER1 gene that results in premature truncation of the protein (p.Arg497*) was identified. The observed variant has a minor allele frequency of 0.00% in gnomAD exomes and genomes, respectively. The severity of the impact of this variant on the protein is high, based on the effect of the protein and REVEL score . Rare Exome Variant Ensemble Learner (REVEL) is an ensembl method for predicting the pathogenicity of missense variants based on a combination of scores from 13 individual tools: MutPred, FATHMM v2.3, VEST 3.0, PolyPhen-2, SIFT, PROVEAN, MutationAssessor, MutationTaster, LRT, GERP++, SiPhy, phyloP, and phastCons. The REVEL score for an individual missense variant can range from 0 to 1, with higher scores reflecting greater likelihood that the variant is disease-causing. The variant was found in ClinVar (Variant ID :862773) with a classification of Pathogenic/Likely Pathogenic and a review status of (2 star) criteria provided, multiple submitters, no conflicts. Based on the above evidence this variant has been classified as Pathogenic according to the ACMG guidelines."

Literature cited by the submitters: PubMed 19079258 (cited by Labcorp Genetics (formerly Invitae), Labcorp); PubMed 22043478 (cited by Labcorp Genetics (formerly Invitae), Labcorp).